The following is an entry in ClinVar:

ClinVar aggregate classification (germline): Conflicting classifications of pathogenicity. Review status: criteria provided, conflicting classifications (1 of 4 stars). 2 submissions from 2 submitters: Uncertain significance (1); Likely benign (1). Last evaluated 2025-12-10.

Conditions:
Hereditary cancer-predisposing syndrome. Also called: Tumor predisposition; Hereditary Cancer Syndrome; Neoplastic Syndromes, Hereditary; Hereditary neoplastic syndrome. Identifiers: Orphanet 140162, MedGen C0027672, MeSH D009386, MONDO:0015356.
Cardiovascular phenotype. Identifiers: MedGen CN230736.

Allele frequency attached by ClinVar (database versions not stated): gnomAD exomes below 0.00001 and 0.00001; TOPMed 0.00003.
gnomAD v4.1: 7 of 1,613,260 alleles (0.00043%); highest among the groups gnomAD compares: African/African-American, 0.0067%; no homozygotes.

Submissions (2):

Labcorp Genetics (formerly Invitae), Labcorp
Classification: Likely benign. Last evaluated: 2025-12-10. Review status: criteria provided, single submitter. Criteria: Invitae Variant Classification Sherloc (09022015). Collection method: clinical testing. Allele origin: germline.

Ambry Genetics
Classification: Uncertain significance for Cardiovascular phenotype; Hereditary cancer-predisposing syndrome. Last evaluated: 2025-12-04. Review status: criteria provided, single submitter. Criteria: Ambry Variant Classification Scheme 2023. Collection method: clinical testing. Allele origin: germline.
Comment: The c.2220-5C>T intronic variant results from a C to T substitution 5 nucleotides upstream from coding exon 19 in the LZTR1 gene. This nucleotide position is not well conserved in available vertebrate species. In silico splice site analysis predicts that this alteration will not have any significant effect on splicing; however, direct evidence is insufficient at this time (Ambry internal data). Based on the available evidence, the clinical significance of this variant remains unclear.

NM_006767.4(LZTR1):c.2220-5C>T

Gene: LZTR1 (leucine zipper like post translational regulator 1; plus strand). Cytogenetic location: 22q11.21.
Variant type: single nucleotide variant.
Coding change: c.2220-5C>T on transcript NM_006767.4 (MANE Select); 5 bases into the intron before coding-DNA position 2220, C replaced by T.
Molecular consequence: intron variant.
Genome position (GRCh38, 1-based): chr22:20,996,691, C>T. VCF-style: chr22-20996691-C-T. GRCh37 (hg19) VCF-style: chr22-21350980-C-T.
Identifiers: ClinVar variation 1109304 (VCV001109304.13), dbSNP rs979427939, ClinGen allele CA322273467.